The following is an entry in ClinVar:

ClinVar aggregate classification (germline): Likely benign. Review status: criteria provided, single submitter (1 of 4 stars). 2 submissions from 2 submitters: Likely benign (1). 1 of the submissions does not count toward it. Last evaluated 2023-04-18.

Conditions:
LSS-related disorder. Also called: LSS-related condition.

Allele frequency attached by ClinVar (database versions not stated): gnomAD 0.00001 and 0.00002; gnomAD exomes 0.00001; TOPMed 0.00003.
gnomAD v4.1: 17 of 1,614,018 alleles (0.0011%); highest among the groups gnomAD compares: Non-Finnish European, 0.0014%; no homozygotes.

Submissions (2):

Labcorp Genetics (formerly Invitae), Labcorp
Classification: Likely benign. Last evaluated: 2023-04-18. Review status: criteria provided, single submitter. Criteria: Invitae Variant Classification Sherloc (09022015). Collection method: clinical testing. Allele origin: germline.

PreventionGenetics, part of Exact Sciences
Classification: Likely benign for LSS-related condition. Last evaluated: 2019-11-12. Review status: no assertion criteria provided. Collection method: clinical testing. Allele origin: germline. Not counted in ClinVar's aggregate classification.
Comment: This variant is classified as likely benign based on ACMG/AMP sequence variant interpretation guidelines (Richards et al. 2015 PMID: 25741868, with internal and published modifications).

NM_002340.6(LSS):c.1710G>A (p.Gln570=)

Gene: LSS (lanosterol synthase; minus strand). Cytogenetic location: 21q22.3.
Variant type: single nucleotide variant.
Coding change: c.1710G>A on transcript NM_002340.6 (MANE Select); coding-DNA position 1710, G replaced by A.
Protein change: p.Gln570=; no amino-acid change (glutamine 570 retained).
Molecular consequence: synonymous variant.
Genome position (GRCh38, 1-based): chr21:46,196,228, C>T on the plus strand (G>A on the coding strand, the complement: LSS is on the minus strand). VCF-style: chr21-46196228-C-T. GRCh37 (hg19) VCF-style: chr21-47616142-C-T.
Other names: c.1710G>A, p.Gln570= (NM_001001438.3); c.1677G>A, p.Gln559= (NM_001145436.2); c.1470G>A, p.Gln490= (NM_001145437.2).
Identifiers: ClinVar variation 746941 (VCV000746941.8), dbSNP rs1200908278, ClinGen allele CA512728060.